The following is an entry in ClinVar:

ClinVar aggregate classification (germline): Benign/Likely benign. Review status: criteria provided, multiple submitters, no conflicts (2 of 4 stars). 3 submissions from 3 submitters: Benign (1); Likely benign (2). Last evaluated 2026-09-28.

Conditions:
Neurofibromatosis, type 1 (NF1). Also called: NEUROFIBROMATOSIS, TYPE I, SOMATIC; Neurofibromatosis, type I; VON RECKLINGHAUSEN DISEASE; Peripheral type neurofibromatosis. Identifiers: Orphanet 636, MedGen C0027831, MONDO:0018975, OMIM 162200. Disease mechanism: loss of function.
Cardiovascular phenotype. Identifiers: MedGen CN230736.
Hereditary cancer-predisposing syndrome. Also called: Neoplastic Syndromes, Hereditary; Tumor predisposition; Hereditary Cancer Syndrome; Hereditary neoplastic syndrome. Identifiers: Orphanet 140162, MedGen C0027672, MeSH D009386, MONDO:0015356.

Allele frequency attached by ClinVar (database versions not stated): gnomAD exomes below 0.00001; ExAC 0.00001.
gnomAD v4.1: 1 of 1,614,182 alleles (0.000062%); highest among the groups gnomAD compares: Non-Finnish European, 0.000085%; no homozygotes.

Submissions (3):

Myriad Genetics, Inc.
Classification: Benign for Neurofibromatosis, type 1. Last evaluated: 2026-09-28. Review status: criteria provided, single submitter. Criteria: Myriad Autosomal Dominant, Autosomal Recessive and X-Linked Classification Criteria (2023). Collection method: clinical testing. Allele origin: unknown.
Comment: This variant is considered benign. This variant is a silent/synonymous amino acid change and it is not expected to impact splicing.

Labcorp Genetics (formerly Invitae), Labcorp
Classification: Likely benign for Neurofibromatosis, type 1. Last evaluated: 2024-11-27. Review status: criteria provided, single submitter. Criteria: Invitae Variant Classification Sherloc (09022015). Collection method: clinical testing. Allele origin: germline.

Ambry Genetics
Classification: Likely benign for Cardiovascular phenotype; Hereditary cancer-predisposing syndrome. Last evaluated: 2021-08-28. Review status: criteria provided, single submitter. Criteria: Ambry Variant Classification Scheme 2023. Collection method: clinical testing. Allele origin: germline.

NM_001042492.3(NF1):c.3687T>C (p.Asn1229=)

Gene: NF1 (neurofibromin 1; plus strand). Cytogenetic location: 17q11.2.
Variant type: single nucleotide variant.
Coding change: c.3687T>C on transcript NM_001042492.3 (MANE Select); coding-DNA position 3687, T replaced by C.
Protein change: p.Asn1229=; no amino-acid change (asparagine 1229 retained).
Molecular consequence: synonymous variant.
Genome position (GRCh38, 1-based): chr17:31,233,192, T>C. VCF-style: chr17-31233192-T-C. GRCh37 (hg19) VCF-style: chr17-29560210-T-C.
Other names: c.3687T>C, p.Asn1229= (NM_000267.4).
Identifiers: ClinVar variation 1538905 (VCV001538905.11), dbSNP rs752937870, ClinGen allele CA8486206.